The following is an entry in ClinVar:

ClinVar aggregate classification (germline): Uncertain significance (1 of 4 stars; one submission).

Conditions:
Hermansky-Pudlak syndrome 9 (HPS9). Identifiers: Orphanet 280663, Orphanet 79430, MedGen C3280026, MONDO:0013606, OMIM 614171.

Allele frequency attached by ClinVar (database versions not stated): TOPMed 0.00001; ESP Exome Variant Server 0.00008.
gnomAD v4.1: 3 of 1,612,154 alleles (0.00019%); highest among the groups gnomAD compares: East Asian, 0.0022%; no homozygotes.

Submission:

Labcorp Genetics (formerly Invitae), Labcorp
Classification: Uncertain significance for Hermansky-Pudlak syndrome 9. Last evaluated: 2025-01-02. Review status: criteria provided, single submitter. Criteria: Invitae Variant Classification Sherloc (09022015). Collection method: clinical testing. Allele origin: germline.
Comment: This sequence change replaces histidine, which is basic and polar, with glutamine, which is neutral and polar, at codon 110 of the BLOC1S6 protein (p.His110Gln). This variant is not present in population databases (gnomAD no frequency). This variant has not been reported in the literature in individuals affected with BLOC1S6-related conditions. ClinVar contains an entry for this variant (Variation ID: 1044338). An algorithm developed to predict the effect of missense changes on protein structure and function (PolyPhen-2) suggests that this variant is likely to be disruptive. In summary, the available evidence is currently insufficient to determine the role of this variant in disease. Therefore, it has been classified as a Variant of Uncertain Significance.

NM_012388.4(BLOC1S6):c.330C>G (p.His110Gln)

Gene: BLOC1S6 (biogenesis of lysosomal organelles complex 1 subunit 6; plus strand). Cytogenetic location: 15q21.1.
Variant type: single nucleotide variant.
Coding change: c.330C>G on transcript NM_012388.4 (MANE Select); coding-DNA position 330, C replaced by G.
Protein change: p.His110Gln; replaces histidine 110 with glutamine.
Molecular consequence: missense variant. On other transcripts: non-coding transcript variant (9).
Genome position (GRCh38, 1-based): chr15:45,605,445, C>G. VCF-style: chr15-45605445-C-G. GRCh37 (hg19) VCF-style: chr15-45897643-C-G.
Other names: c.345C>G, p.His115Gln (NM_001311255.1); c.257C>G, p.Thr86Ser (NM_001311256.1); short protein forms H115Q, T86S, H110Q.
Identifiers: ClinVar variation 1044338 (VCV001044338.8), dbSNP rs370118149, ClinGen allele CA270019974.